The following is an entry in ClinVar:

ClinVar aggregate classification (germline): Benign (0 of 4 stars; one submission).

Conditions:
NTN1-related disorder. Also called: NTN1-related condition.

Allele frequency attached by ClinVar (database versions not stated): TOPMed 0.00015; gnomAD 0.00027; gnomAD exomes 0.00063; ExAC 0.00144; 1000 Genomes Project 30x 0.00156; 1000 Genomes Project 0.00180.
gnomAD v4.1: 951 of 1,614,074 alleles (0.059%); highest among the groups gnomAD compares: South Asian, 0.96%; 20 homozygotes.

Submission:

PreventionGenetics, part of Exact Sciences
Classification: Benign for NTN1-related condition. Last evaluated: 2024-04-15. Review status: no assertion criteria provided. Collection method: clinical testing. Allele origin: germline.
Comment: This variant is classified as benign based on ACMG/AMP sequence variant interpretation guidelines (Richards et al. 2015 PMID: 25741868, with internal and published modifications).

NM_004822.3(NTN1):c.1284C>T (p.Gly428=)

Gene: NTN1 (netrin 1; plus strand). Cytogenetic location: 17p13.1.
Variant type: single nucleotide variant.
Coding change: c.1284C>T on transcript NM_004822.3 (MANE Select); coding-DNA position 1284, C replaced by T.
Protein change: p.Gly428=; no amino-acid change (glycine 428 retained).
Molecular consequence: synonymous variant.
Genome position (GRCh38, 1-based): chr17:9,179,883, C>T. VCF-style: chr17-9179883-C-T. GRCh37 (hg19) VCF-style: chr17-9083200-C-T.
Identifiers: ClinVar variation 3043907 (VCV003043907.2), dbSNP rs140380921, ClinGen allele CA8381177.